The following is an entry in ClinVar:

ClinVar aggregate classification (germline): Uncertain significance (1 of 4 stars; one submission).

Submission:

GeneDx
Classification: Uncertain significance. Last evaluated: 2022-11-11. Review status: criteria provided, single submitter. Criteria: GeneDx Variant Classification Process June 2021. Collection method: clinical testing. Allele origin: germline. Affected: yes.
Comment: Not observed at significant frequency in large population cohorts (gnomAD); Nonsense variant predicted to result in protein truncation or nonsense mediated decay in a gene or region of a gene for which loss of function is not a well-established mechanism of disease; Has not been previously published as pathogenic or benign to our knowledge

NM_001128840.3(CACNA1D):c.3614C>A (p.Ser1205Ter)

Gene: CACNA1D (calcium voltage-gated channel subunit alpha1 D; plus strand). Cytogenetic location: 3p21.1.
Variant type: single nucleotide variant.
Coding change: c.3614C>A on transcript NM_001128840.3 (MANE Select); coding-DNA position 3614, C replaced by A.
Protein change: p.Ser1205Ter; replaces serine 1205 with a stop codon.
Molecular consequence: nonsense.
Genome position (GRCh38, 1-based): chr3:53,751,846, C>A. VCF-style: chr3-53751846-C-A. GRCh37 (hg19) VCF-style: chr3-53785873-C-A.
Other names: c.3674C>A, p.Ser1225Ter (NM_000720.4); c.3614C>A, p.Ser1205Ter (NM_001128839.3); short protein forms S1205*, S1225*.
Identifiers: ClinVar variation 2501865 (VCV002501865.1), dbSNP rs1183389331, ClinGen allele CA353250755.